The following is an entry in ClinVar:

NM_001035.3(RYR2):c.677G>T (p.Gly226Val)

Gene: RYR2 (ryanodine receptor 2; plus strand). Cytogenetic location: 1q43.
Variant type: single nucleotide variant.
Coding change: c.677G>T on transcript NM_001035.3 (MANE Select); coding-DNA position 677, G replaced by T.
Protein change: p.Gly226Val; replaces glycine 226 with valine.
Molecular consequence: missense variant.
Genome position (GRCh38, 1-based): chr1:237,388,087, G>T. VCF-style: chr1-237388087-G-T. GRCh37 (hg19) VCF-style: chr1-237551387-G-T.
Other names: short protein forms G226V.
Identifiers: ClinVar variation 2499210 (VCV002499210.1), dbSNP rs1702087452, ClinGen allele CA345378116.

ClinVar aggregate classification (germline): Uncertain significance (1 of 4 stars; one submission).

Submission:

GeneDx
Classification: Uncertain significance. Last evaluated: 2022-10-14. Review status: criteria provided, single submitter. Criteria: GeneDx Variant Classification Process June 2021. Collection method: clinical testing. Allele origin: germline. Affected: yes.
Comment: Not observed at significant frequency in large population cohorts (gnomAD); In silico analysis supports that this missense variant has a deleterious effect on protein structure/function; Has not been previously published as pathogenic or benign to our knowledge; In silico analysis suggests this variant may impact gene splicing. In the absence of RNA/functional studies, the actual effect of this sequence change is unknown.; Located in one of the three hot-spot regions of the RYR2 gene, where the majority of pathogenic missense variants occur (Medeiros-Domingo et al., 2009); This variant is associated with the following publications: (PMID: 19926015)